The following is an entry in ClinVar:

ClinVar aggregate classification (germline): Benign/Likely benign. Review status: criteria provided, multiple submitters, no conflicts (2 of 4 stars). 7 submissions from 7 submitters: Benign (1); Likely benign (6). Last evaluated 2025-11-27.

Conditions:
Familial cancer of breast. Also called: hereditary breast carcinoma; Hereditary breast cancer; BREAST CANCER, FAMILIAL. Identifiers: Orphanet 227535, MedGen C0346153, MONDO:0016419, OMIM 114480. Disease mechanism: loss of function.
Breast-ovarian cancer, familial, susceptibility to, 5 (BROVCA5). Identifiers: MedGen C5830615, MONDO:0957530, OMIM 620442.
Hereditary cancer-predisposing syndrome. Also called: Hereditary neoplastic syndrome; Neoplastic Syndromes, Hereditary; Hereditary Cancer Syndrome; Tumor predisposition. Identifiers: Orphanet 140162, MedGen C0027672, MeSH D009386, MONDO:0015356.

Allele frequency attached by ClinVar (database versions not stated): gnomAD 0.00001; gnomAD exomes 0.00001 and 0.00002; TOPMed 0.00001; ExAC 0.00002.
gnomAD v4.1: 16 of 1,614,062 alleles (0.00099%); highest among the groups gnomAD compares: Non-Finnish European, 0.0013%; no homozygotes.

Submissions (7):

Labcorp Genetics (formerly Invitae), Labcorp
Classification: Likely benign for Familial cancer of breast. Last evaluated: 2025-11-27. Review status: criteria provided, single submitter. Criteria: Invitae Variant Classification Sherloc (09022015). Collection method: clinical testing. Allele origin: germline.

Myriad Genetics, Inc.
Classification: Benign for Familial cancer of breast. Last evaluated: 2025-01-10. Review status: criteria provided, single submitter. Criteria: Myriad Autosomal Dominant, Autosomal Recessive and X-Linked Classification Criteria (2023). Collection method: clinical testing. Allele origin: unknown.
Comment: This variant is considered benign. This variant is a silent/synonymous amino acid change and it is not expected to impact splicing.

Department of Pathology and Laboratory Medicine, Sinai Health System
Classification: Likely benign for Breast-ovarian cancer, familial, susceptibility to, 5. Last evaluated: 2023-02-14. Review status: criteria provided, single submitter. Criteria: ACMG Guidelines, 2015. Collection method: clinical testing. Allele origin: germline. Affected: yes.

CeGaT Center for Human Genetics Tuebingen
Classification: Likely benign. Last evaluated: 2022-03-01. Review status: criteria provided, single submitter. Criteria: CeGaT Center For Human Genetics Tuebingen Variant Classification Criteria Version 2. Collection method: clinical testing. Allele origin: germline. Affected: yes. Observed: 1 variant allele.
Comment: PALB2: BP4, BP7

GeneDx
Classification: Likely benign. Last evaluated: 2021-05-23. Review status: criteria provided, single submitter. Criteria: GeneDx Variant Classification Process June 2021. Collection method: clinical testing. Allele origin: germline. Affected: yes.

Color Diagnostics, LLC DBA Color Health
Classification: Likely benign for Hereditary cancer-predisposing syndrome. Last evaluated: 2017-02-21. Review status: criteria provided, single submitter. Criteria: ACMG Guidelines, 2015. Collection method: clinical testing. Allele origin: germline.

Ambry Genetics
Classification: Likely benign for Hereditary cancer-predisposing syndrome. Last evaluated: 2016-12-15. Review status: criteria provided, single submitter. Criteria: Ambry Variant Classification Scheme 2023. Collection method: clinical testing. Allele origin: germline.

NM_024675.4(PALB2):c.585A>T (p.Ile195=)

Gene: PALB2 (partner and localizer of BRCA2; minus strand). Cytogenetic location: 16p12.2.
Variant type: single nucleotide variant.
Coding change: c.585A>T on transcript NM_024675.4 (MANE Select); coding-DNA position 585, A replaced by T.
Protein change: p.Ile195=; no amino-acid change (isoleucine 195 retained).
Molecular consequence: synonymous variant.
Genome position (GRCh38, 1-based): chr16:23,635,961, T>A on the plus strand (A>T on the coding strand, the complement: PALB2 is on the minus strand). VCF-style: chr16-23635961-T-A. GRCh37 (hg19) VCF-style: chr16-23647282-T-A.
Identifiers: ClinVar variation 461011 (VCV000461011.52), dbSNP rs767775306, ClinGen allele CA7963778.